The following is an entry in ClinVar:

ClinVar aggregate classification (germline): Likely benign. Review status: criteria provided, single submitter (1 of 4 stars). 2 submissions from 2 submitters: Likely benign (1). 1 of the submissions does not count toward it. Last evaluated 2024-05-06.

Conditions:
CHRNE-related disorder. Also called: CHRNE-related condition.
Congenital myasthenic syndrome 4A. Also called: Myasthenic syndrome, congenital, 4a, slow-channel; CONGENITAL MYASTHENIC SYNDROME TYPE Ia1; MYASTHENIC SYNDROME, CONGENITAL, 4A, SLOW-CHANNEL, AUTOSOMAL RECESSIVE. Identifiers: Orphanet 590, MedGen C4225413, MONDO:0011600, OMIM 605809.

Allele frequency attached by ClinVar (database versions not stated): ExAC 0.00001; gnomAD exomes 0.00001; gnomAD 0.00005.
gnomAD v4.1: 17 of 1,613,944 alleles (0.0011%); highest among the groups gnomAD compares: African/African-American, 0.004%; 1 homozygote.

Submissions (2):

Labcorp Genetics (formerly Invitae), Labcorp
Classification: Likely benign for Congenital myasthenic syndrome 4A. Last evaluated: 2024-05-06. Review status: criteria provided, single submitter. Criteria: Invitae Variant Classification Sherloc (09022015). Collection method: clinical testing. Allele origin: germline.

PreventionGenetics, part of Exact Sciences
Classification: Likely benign for CHRNE-related condition. Last evaluated: 2021-04-19. Review status: no assertion criteria provided. Collection method: clinical testing. Allele origin: germline. Not counted in ClinVar's aggregate classification.
Comment: This variant is classified as likely benign based on ACMG/AMP sequence variant interpretation guidelines (Richards et al. 2015 PMID: 25741868, with internal and published modifications).

NM_000080.4(CHRNE):c.462C>T (p.Tyr154=)

Genes: C17orf107 (chromosome 17 open reading frame 107; plus strand), CHRNE (cholinergic receptor nicotinic epsilon subunit; minus strand). Cytogenetic location: 17p13.2.
Variant type: single nucleotide variant.
Coding change: c.462C>T on transcript NM_000080.4 (MANE Select); coding-DNA position 462, C replaced by T.
Protein change: p.Tyr154=; no amino-acid change (tyrosine 154 retained).
Molecular consequence: synonymous variant. On other transcripts: 3 prime UTR variant (1).
Genome position (GRCh38, 1-based): chr17:4,901,970, G>A on the plus strand (C>T on the coding strand, the complement: CHRNE is on the minus strand). VCF-style: chr17-4901970-G-A. GRCh37 (hg19) VCF-style: chr17-4805265-G-A.
Other names: c.*1437G>A (NM_001145536.2).
Identifiers: ClinVar variation 1120370 (VCV001120370.11), dbSNP rs781427923, ClinGen allele CA8314452.